The following is an entry in ClinVar:

ClinVar aggregate classification (germline): Conflicting classifications of pathogenicity. Review status: criteria provided, conflicting classifications (1 of 4 stars). 2 submissions from 2 submitters: Uncertain significance (1); Benign (1). Last evaluated 2025-07-27.

Conditions:
Dyskeratosis congenita. Identifiers: Orphanet 1775, MedGen C0265965, MONDO:0015780.

Allele frequency attached by ClinVar (database versions not stated): ExAC 0.00001; gnomAD exomes 0.00002 and 0.00005; ESP Exome Variant Server 0.00009; gnomAD 0.00011 and 0.00013; TOPMed 0.00036.
gnomAD v4.1: 71 of 1,210,012 alleles (0.0059%); highest among the groups gnomAD compares: Admixed American, 0.033%; no homozygotes.

Submissions (2):

Labcorp Genetics (formerly Invitae), Labcorp
Classification: Benign for Dyskeratosis congenita. Last evaluated: 2025-07-27. Review status: criteria provided, single submitter. Criteria: Invitae Variant Classification Sherloc (09022015). Collection method: clinical testing. Allele origin: germline.

Ambry Genetics
Classification: Uncertain significance for Dyskeratosis congenita. Last evaluated: 2025-03-13. Review status: criteria provided, single submitter. Criteria: Ambry Variant Classification Scheme 2023. Collection method: clinical testing. Allele origin: germline.
Comment: The p.D208N variant (also known as c.622G>A), located in coding exon 7 of the DKC1 gene, results from a G to A substitution at nucleotide position 622. The aspartic acid at codon 208 is replaced by asparagine, an amino acid with highly similar properties. This amino acid position is conserved. In addition, this alteration is predicted to be tolerated by in silico analysis. Based on the available evidence, the clinical significance of this variant remains unclear.

NM_001363.5(DKC1):c.622G>A (p.Asp208Asn)

Gene: DKC1 (dyskerin pseudouridine synthase 1; plus strand). Cytogenetic location: Xq28.
Variant type: single nucleotide variant.
Coding change: c.622G>A on transcript NM_001363.5 (MANE Select); coding-DNA position 622, G replaced by A.
Protein change: p.Asp208Asn; replaces aspartic acid 208 with asparagine.
Molecular consequence: missense variant. On other transcripts: non-coding transcript variant (3).
Genome position (GRCh38, 1-based): chrX:154,767,364, G>A. VCF-style: chrX-154767364-G-A. GRCh37 (hg19) VCF-style: chrX-153995639-G-A.
Other names: c.622G>A, p.Asp208Asn (NM_001142463.3, NM_001288747.2); c.622G>A (NM_001363.3); short protein forms D208N.
Identifiers: ClinVar variation 567290 (VCV000567290.16), dbSNP rs374771308, ClinGen allele CA10567056.